The following is an entry in ClinVar:

NM_032608.7(MYO18B):c.3229T>A (p.Cys1077Ser)

Gene: MYO18B (myosin XVIIIB; plus strand). Cytogenetic location: 22q12.1.
Variant type: single nucleotide variant.
Coding change: c.3229T>A on transcript NM_032608.7 (MANE Select); coding-DNA position 3229, T replaced by A.
Protein change: p.Cys1077Ser; replaces cysteine 1077 with serine.
Molecular consequence: missense variant.
Genome position (GRCh38, 1-based): chr22:25,843,755, T>A. VCF-style: chr22-25843755-T-A. GRCh37 (hg19) VCF-style: chr22-26239722-T-A.
Other names: c.3232T>A, p.Cys1078Ser (NM_001318245.2); short protein forms C1078S, C1077S.
Identifiers: ClinVar variation 2099884 (VCV002099884.4), dbSNP rs2517569598, ClinGen allele CA410997822.

ClinVar aggregate classification (germline): Uncertain significance (1 of 4 stars; one submission).

Submission:

Labcorp Genetics (formerly Invitae), Labcorp
Classification: Uncertain significance. Last evaluated: 2022-02-23. Review status: criteria provided, single submitter. Criteria: Invitae Variant Classification Sherloc (09022015). Collection method: clinical testing. Allele origin: germline.
Comment: In summary, the available evidence is currently insufficient to determine the role of this variant in disease. Therefore, it has been classified as a Variant of Uncertain Significance. Algorithms developed to predict the effect of missense changes on protein structure and function are either unavailable or do not agree on the potential impact of this missense change (SIFT: "Not Available"; PolyPhen-2: "Possibly Damaging"; Align-GVGD: "Not Available"). This sequence change replaces cysteine, which is neutral and slightly polar, with serine, which is neutral and polar, at codon 1077 of the MYO18B protein (p.Cys1077Ser). This variant is not present in population databases (gnomAD no frequency). This variant has not been reported in the literature in individuals affected with MYO18B-related conditions.